The following is an entry in ClinVar:

NM_004333.6(BRAF):c.980+1221G>A

Gene: BRAF (B-Raf proto-oncogene, serine/threonine kinase; minus strand). Cytogenetic location: 7q34.
Variant type: single nucleotide variant.
Coding change: c.980+1221G>A on transcript NM_004333.6 (MANE Select); 1221 bases into the intron after coding-DNA position 980, G replaced by A.
Molecular consequence: intron variant.
Genome position (GRCh38, 1-based): chr7:140,799,141, C>T on the plus strand (G>A on the coding strand, the complement: BRAF is on the minus strand). VCF-style: chr7-140799141-C-T. GRCh37 (hg19) VCF-style: chr7-140498941-C-T.
Other names: c.980+1221G>A (NM_001378474.1, NM_001378471.1, NM_001378468.1 and 4 more transcripts); c.878+1221G>A (NM_001378470.1); c.716+1221G>A (NM_001378475.1); c.989+1221G>A (NM_001378467.1); c.824+1221G>A (NM_001378472.1, NM_001378473.1).
Identifiers: ClinVar variation 2658090 (VCV002658090.24), dbSNP rs542392709, ClinGen allele CA168104909.

ClinVar aggregate classification (germline): Likely benign (1 of 4 stars; one submission).

Allele frequency attached by ClinVar (database versions not stated): gnomAD 0.00113; gnomAD exomes 0.00144.
gnomAD v4.1: 242 of 200,710 alleles (0.12%); highest among the groups gnomAD compares: Non-Finnish European, 0.21%; no homozygotes.

Submission:

CeGaT Center for Human Genetics Tuebingen
Classification: Likely benign. Last evaluated: 2025-03-01. Review status: criteria provided, single submitter. Criteria: CeGaT Center For Human Genetics Tuebingen Variant Classification Criteria Version 2. Collection method: clinical testing. Allele origin: germline. Affected: yes. Observed: 9 variant alleles.
Comment: BRAF: BS1